The following is an entry in ClinVar:

NM_032242.4(PLXNA1):c.4510-7C>T

Gene: PLXNA1 (plexin A1; plus strand). Cytogenetic location: 3q21.3.
Variant type: single nucleotide variant.
Coding change: c.4510-7C>T on transcript NM_032242.4 (MANE Select); 7 bases into the intron before coding-DNA position 4510, C replaced by T.
Molecular consequence: intron variant.
Genome position (GRCh38, 1-based): chr3:127,028,174, C>T. VCF-style: chr3-127028174-C-T. GRCh37 (hg19) VCF-style: chr3-126747017-C-T.
Identifiers: ClinVar variation 3356880 (VCV003356880.2).

ClinVar aggregate classification (germline): Likely benign. Review status: criteria provided, single submitter (1 of 4 stars). 2 submissions from 2 submitters: Likely benign (1). 1 of the submissions does not count toward it. Last evaluated 2025-06-07.

Conditions:
PLXNA1-related disorder. Also called: PLXNA1-related condition.

gnomAD v4.1: 2 of 1,613,272 alleles (0.00012%); highest among the groups gnomAD compares: Admixed American, 0.0033%; no homozygotes.

Submissions (2):

Labcorp Genetics (formerly Invitae), Labcorp
Classification: Likely benign. Last evaluated: 2025-06-07. Review status: criteria provided, single submitter. Criteria: Invitae Variant Classification Sherloc (09022015). Collection method: clinical testing. Allele origin: germline.

PreventionGenetics, part of Exact Sciences
Classification: Likely benign for PLXNA1-related condition. Last evaluated: 2021-07-05. Review status: no assertion criteria provided. Collection method: clinical testing. Allele origin: germline. Not counted in ClinVar's aggregate classification.
Comment: This variant is classified as likely benign based on ACMG/AMP sequence variant interpretation guidelines (Richards et al. 2015 PMID: 25741868, with internal and published modifications).